The following is an entry in ClinVar:

ClinVar aggregate classification (germline): Uncertain significance (1 of 4 stars; one submission).

Conditions:
Myasthenic syndrome, congenital, 22 (CMS22). Also called: PREPL DEFICIENCY. Identifiers: MedGen C4479088, MONDO:0044299, OMIM 616224.

Allele frequency attached by ClinVar (database versions not stated): ExAC 0.00001; gnomAD 0.00001; gnomAD exomes 0.00001; TOPMed 0.00002.

Submission:

Labcorp Genetics (formerly Invitae), Labcorp
Classification: Uncertain significance for Myasthenic syndrome, congenital, 22. Last evaluated: 2022-10-09. Review status: criteria provided, single submitter. Criteria: Invitae Variant Classification Sherloc (09022015). Collection method: clinical testing. Allele origin: germline.
Comment: This sequence change replaces arginine, which is basic and polar, with lysine, which is basic and polar, at codon 494 of the PREPL protein (p.Arg494Lys). In summary, the available evidence is currently insufficient to determine the role of this variant in disease. Therefore, it has been classified as a Variant of Uncertain Significance. Advanced modeling of protein sequence and biophysical properties (such as structural, functional, and spatial information, amino acid conservation, physicochemical variation, residue mobility, and thermodynamic stability) performed at Invitae indicates that this missense variant is not expected to disrupt PREPL protein function. This variant has not been reported in the literature in individuals affected with PREPL-related conditions. This variant is present in population databases (rs770447500, gnomAD 0.009%).

NM_001171613.2(PREPL):c.1214G>A (p.Arg405Lys)

Gene: PREPL (prolyl endopeptidase like; minus strand). Cytogenetic location: 2p21.
Variant type: single nucleotide variant.
Coding change: c.1214G>A on transcript NM_001171613.2 (MANE Select); coding-DNA position 1214, G replaced by A.
Protein change: p.Arg405Lys; replaces arginine 405 with lysine.
Molecular consequence: missense variant.
Genome position (GRCh38, 1-based): chr2:44,328,985, C>T on the plus strand (G>A on the coding strand, the complement: PREPL is on the minus strand). VCF-style: chr2-44328985-C-T. GRCh37 (hg19) VCF-style: chr2-44556124-C-T.
Other names: c.1295G>A, p.Arg432Lys (NM_001042385.2); c.1283G>A, p.Arg428Lys (NM_001042386.2); c.1481G>A, p.Arg494Lys (NM_001171603.1, NM_001171606.2, NM_001374275.1 and 2 more transcripts); c.1214G>A, p.Arg405Lys (NM_001171617.1, NM_001374277.1); short protein forms R405K, R432K, R494K, R428K.
Identifiers: ClinVar variation 2867688 (VCV002867688.3), dbSNP rs770447500, ClinGen allele CA1641201.
Genomic context (GRCh38, chr2:44,328,985, plus strand): 5'-ATACTGACTCACCGAACATGGCAGTATGCTAATATCCATCCATCATCCACCAGGACCCGC[C>T]TCTCAGGCCTGAAATTCATTTTCAAATCCATTCCATAAGCTCCATATACATGTACCAAGA-3'
Protein context (NP_001165084.1, residues 395-415): MDLKMNFRPE[Arg405Lys]RVLVDDGWIL